The following is an entry in ClinVar:

ClinVar aggregate classification (germline): Conflicting classifications of pathogenicity. Review status: criteria provided, conflicting classifications (1 of 4 stars). 4 submissions from 4 submitters: Uncertain significance (3); Likely benign (1). Last evaluated 2026-07-08.

Conditions:
PKD1-related disorder. Also called: PKD1-related condition.
Polycystic kidney disease, adult type (PKD1). Also called: Polycystic Kidney Disease 1, Autosomal Dominant; Polycystic kidney disease 1; Polycystic kidney disease 1, severe; Polycystic Kidney, Autosomal Dominant; POLYCYSTIC KIDNEY DISEASE, ADULT, TYPE I; POLYCYSTIC KIDNEY DISEASE 1 WITH OR WITHOUT POLYCYSTIC LIVER DISEASE. Identifiers: MedGen C3149841, MONDO:0008263, OMIM 173900.

gnomAD v4.1: 22 of 1,612,282 alleles (0.0014%); highest among the groups gnomAD compares: African/African-American, 0.0053%; no homozygotes.

Submissions (4):

PreventionGenetics, part of Exact Sciences
Classification: Uncertain significance for PKD1-related condition. Last evaluated: 2026-07-08. Review status: criteria provided, single submitter. Criteria: ACMG Guidelines, 2015. Collection method: clinical testing. Allele origin: germline.
Comment: The PKD1 c.10373C>T variant is predicted to result in the amino acid substitution p.Pro3458Leu. To our knowledge, this variant has not been reported in the literature. This variant is reported in 0.0064% of alleles in individuals of African descent in gnomAD. At this time, the clinical significance of this variant is uncertain due to the absence of conclusive functional and genetic evidence.

Victorian Clinical Genetics Services, Murdoch Childrens Research Institute
Classification: Likely benign for Polycystic kidney disease, adult type. Last evaluated: 2025-11-10. Review status: criteria provided, single submitter. Criteria: ACMG Guidelines, 2015. Collection method: clinical testing. Allele origin: germline. Affected: yes.
Comment: This variant is classified as Likely benign. Evidence in support of pathogenic classification: Variant is present in gnomAD <0.001 for a dominant condition (v4: 22 heterozygote(s), 0 homozygote(s)). Evidence in support of benign classification: Missense variant predicted to be tolerated by in silico tool(s) or not conserved in placental mammals with a minor amino acid change. Additional information: Variant is predicted to result in a missense amino acid change from Pro to Leu; This variant is heterozygous; This gene is associated with autosomal dominant disease. Polycystic kidney disease 1 (MIM#173900) is predominantly caused by monoallelic variants, with rare reports of biallelic variants causing disease (OMIM); Alternative amino acid change(s) at the same position are present in gnomAD (highest allele count: v4: 1 heterozygote(s), 0 homozygote(s)); Previous evidence of pathogenicity for this variant is inconclusive. This variant has been classified as VUS by clinical laboratories in ClinVar; No published evidence of segregation with disease has been identified for this variant; No published functional evidence has been identified for this variant; No comparable missense variants have previous evidence for pathogenicity; Variant is not located in an established domain, motif, hotspot or informative constraint region; Loss of function is a known mechanism of disease in this gene and is associated with polycystic kidney disease 1 (MIM#173900).

GeneDx
Classification: Uncertain significance. Last evaluated: 2025-04-08. Review status: criteria provided, single submitter. Criteria: GeneDx Variant Classification Process June 2021. Collection method: clinical testing. Allele origin: germline. Affected: yes.
Comment: In silico analysis supports that this missense variant has a deleterious effect on protein structure/function; Has not been previously published as pathogenic or benign to our knowledge

Fulgent Genetics
Classification: Uncertain significance for Polycystic kidney disease, adult type. Last evaluated: 2024-02-22. Review status: criteria provided, single submitter. Criteria: ACMG Guidelines, 2015. Collection method: clinical testing. Allele origin: germline.

NM_001009944.3(PKD1):c.10373C>T (p.Pro3458Leu)

Gene: PKD1 (polycystin 1, transient receptor potential channel interacting; minus strand). Cytogenetic location: 16p13.3.
Variant type: single nucleotide variant.
Coding change: c.10373C>T on transcript NM_001009944.3 (MANE Select); coding-DNA position 10373, C replaced by T.
Protein change: p.Pro3458Leu; replaces proline 3458 with leucine.
Molecular consequence: missense variant.
Genome position (GRCh38, 1-based): chr16:2,097,351, G>A on the plus strand (C>T on the coding strand, the complement: PKD1 is on the minus strand). VCF-style: chr16-2097351-G-A. GRCh37 (hg19) VCF-style: chr16-2147352-G-A.
Other names: c.10370C>T, p.Pro3457Leu (NM_000296.4); short protein forms P3457L, P3458L.
Identifiers: ClinVar variation 3579027 (VCV003579027.4).
Genomic context (GRCh38, chr16:2,097,351, plus strand): 5'-AGAGCCCCCTCCTCTCACCCCAGCTCACCTGATGCTGAGAAGGATTTGGCAGGCGAGTAG[G>A]GGCTGGCCAGGGAGAAGCCGTCCTCCTCTGGGCCCAGCCCATGGCCCGCCTGGCCCCGTG-3'
Protein context (NP_001009944.3, residues 3448-3468): PEEDGFSLAS[Pro3458Leu]YSPAKSFSAS